The following is an entry in ClinVar:

NM_020975.6(RET):c.1890CGA[1] (p.Asp631del)

Gene: RET (ret proto-oncogene; plus strand). Cytogenetic location: 10q11.21.
Variant type: Microsatellite.
Coding change: c.1890CGA[1] on transcript NM_020975.6 (MANE Select); one copy of the 3-base unit CGA starting at c.1890; the reference has two copies in a row; one copy, 3 bases deleted.
Protein change: p.Asp631del; deletes aspartic acid 631.
Molecular consequence: inframe deletion. On other transcripts: inframe indel (40).
Genome position (GRCh38, 1-based): chr10:43,114,493-43,114,495, CGA deleted; deleting any 3 consecutive bases within chr10:43,114,490-43,114,495 gives the same sequence; the position shown is the placement nearest the transcript's 3' end. VCF-style (leftmost placement, unchanged base first): chr10-43114489-GCGA-G. GRCh37 (hg19) VCF-style: chr10-43609937-GCGA-G.
Other names: c.1890_1892CGA[1], p.Asp631del (NM_000323.2, NM_001406743.1, NM_001406744.1 and 5 more transcripts); c.1128_1130CGA[1], p.Asp377del (NM_001355216.2); c.1761_1763CGA[1], p.Asp588del (NM_001406761.1, NM_001406762.1, NM_001406764.1); c.1602_1604CGA[1], p.Asp535del (NM_001406766.1, NM_001406767.1, NM_001406770.1); c.1494_1496CGA[1], p.Asp499del (NM_001406769.1, NM_001406772.1); c.1452_1454CGA[1], p.Asp485del (NM_001406771.1, NM_001406773.1); c.1365_1367CGA[1], p.Asp456del (NM_001406774.1); c.1164_1166CGA[1], p.Asp389del (NM_001406775.1, NM_001406776.1, NM_001406777.1 and 1 more transcripts); and 8 more; short protein forms D631del, D377del, D236del, D301del, D499del, D535del, D148del, D289del.
Identifiers: ClinVar variation 549788 (VCV000549788.10), dbSNP rs377767435, ClinGen allele CA008182.

ClinVar aggregate classification (germline): Uncertain significance (1 of 4 stars; one submission).

Conditions:
Multiple endocrine neoplasia, type 2 (MEN2). Identifiers: Orphanet 653, MedGen C4048306, MONDO:0019003. Disease mechanism: gain of function.

Submission:

Labcorp Genetics (formerly Invitae), Labcorp
Classification: Uncertain significance for Multiple endocrine neoplasia, type 2. Last evaluated: 2018-08-02. Review status: criteria provided, single submitter. Criteria: Invitae Variant Classification Sherloc (09022015). Collection method: clinical testing. Allele origin: germline.
Comment: This variant, c.1893_1895delCGA, results in the deletion of 1 amino acid of the RET protein (p.Asp631del), but otherwise preserves the integrity of the reading frame. This variant is not present in population databases (ExAC no frequency). This variant has been observed to segregate with multiple endocrine neoplasia type 2 in one family (PMID: 17923033). Experimental studies and prediction algorithms are not available for this variant, and the functional significance of deletion of the p.Asp631 amino acid residue is currently unknown. In summary, the available evidence is currently insufficient to determine the role of this variant in disease. Therefore, it has been classified as a Variant of Uncertain Significance.

Literature cited by the submitters: PubMed 17923033.